The following is an entry in ClinVar:

ClinVar aggregate classification (germline): Uncertain significance (1 of 4 stars; one submission).

Conditions:
Heterotopia, periventricular, X-linked dominant (PVNH1). Also called: PERIVENTRICULAR NODULAR HETEROTOPIA 1; X-linked periventricular heterotopia; PERIVENTRICULAR NODULAR HETEROTOPIA 4; HETEROTOPIA, PERIVENTRICULAR, 1. Identifiers: Orphanet 2149, Orphanet 82004, MedGen C1848213, MONDO:0010233, OMIM 300049.
Oto-palato-digital syndrome, type II (OPD2). Also called: OPD II SYNDROME; Otopalatodigital Syndrome, Type II; Otopalatodigital Syndrome Type 2 (FLNA-OPD2); FACIOPALATOOSSEOUS SYNDROME. Identifiers: Orphanet 669, Orphanet 90652, MedGen C1844696, MONDO:0010571, OMIM 304120.
Melnick-Needles syndrome (MNS). Also called: MELNICK-NEEDLES OSTEODYSPLASTY; OSTEODYSPLASTY OF MELNICK AND NEEDLES; Melnick-Needles Syndrome (FLNA-MNS). Identifiers: Orphanet 2484, MedGen C0025237, MONDO:0010650, OMIM 309350.
Frontometaphyseal dysplasia (FMD1). Identifiers: Orphanet 1826, MedGen C0265293, MONDO:0015942.

Submission:

Labcorp Genetics (formerly Invitae), Labcorp
Classification: Uncertain significance for Oto-palato-digital syndrome, type II; Heterotopia, periventricular, X-linked dominant; Frontometaphyseal dysplasia; Melnick-Needles syndrome. Last evaluated: 2021-06-04. Review status: criteria provided, single submitter. Criteria: Invitae Variant Classification Sherloc (09022015). Collection method: clinical testing. Allele origin: germline.
Comment: This variant is not present in population databases (ExAC no frequency). This variant has not been reported in the literature in individuals with FLNA-related conditions. Nucleotide substitutions within the consensus splice site are a relatively common cause of aberrant splicing (PMID: 17576681, 9536098). Algorithms developed to predict the effect of sequence changes on RNA splicing suggest that this variant may disrupt the consensus splice site, but this prediction has not been confirmed by published transcriptional studies. In summary, the available evidence is currently insufficient to determine the role of this variant in disease. Therefore, it has been classified as a Variant of Uncertain Significance. This sequence change falls in intron 14 of the FLNA gene. It does not directly change the encoded amino acid sequence of the FLNA protein. It affects a nucleotide within the consensus splice site of the intron.

Literature cited by the submitters: PubMed 17576681; PubMed 9536098.

NM_001110556.2(FLNA):c.2137-3C>G

Gene: FLNA (filamin A; minus strand). Cytogenetic location: Xq28.
Variant type: single nucleotide variant.
Coding change: c.2137-3C>G on transcript NM_001110556.2 (MANE Select); 3 bases into the intron before coding-DNA position 2137, C replaced by G.
Molecular consequence: intron variant.
Genome position (GRCh38, 1-based): chrX:154,364,168, G>C on the plus strand (C>G on the coding strand, the complement: FLNA is on the minus strand). VCF-style: chrX-154364168-G-C. GRCh37 (hg19) VCF-style: chrX-153592536-G-C.
Other names: c.2137-3C>G (NM_001456.4).
Identifiers: ClinVar variation 1358872 (VCV001358872.6), dbSNP rs1315164840, ClinGen allele CA2573159407.
Genomic context (GRCh38, chrX:154,364,168, plus strand): 5'-TGTAAGTGCCATTGCCGTTGTCCTTGACCAACGCCTCCACAGGGCAGCCTTCATTGTCCT[G>C]TCAGGCAGATAGGAGCAGGTGGCCTGCTGGTCAGTGCCCAGGCCTGGGTGCCCACACCTG-3'